The following is an entry in ClinVar:

ClinVar aggregate classification (germline): Likely benign. Review status: criteria provided, multiple submitters, no conflicts (2 of 4 stars). 3 submissions from 3 submitters: Likely benign (3). Last evaluated 2025-04-07.

Conditions:
Hereditary pulmonary alveolar proteinosis. Also called: Pulmonary surfactant metabolism dysfunction. Identifiers: Orphanet 264675, MedGen C3711368, MONDO:0012580.

Allele frequency attached by ClinVar (database versions not stated): ESP Exome Variant Server 0.00008; gnomAD 0.00009; TOPMed 0.00009; gnomAD exomes 0.00001 and 0.00003; ExAC 0.00002.
gnomAD v4.1: 62 of 1,612,612 alleles (0.0038%); highest among the groups gnomAD compares: African/African-American, 0.031%; no homozygotes.

Submissions (3):

Ambry Genetics
Classification: Likely benign for Hereditary pulmonary alveolar proteinosis. Last evaluated: 2025-04-07. Review status: criteria provided, single submitter. Criteria: Ambry Variant Classification Scheme 2023. Collection method: clinical testing. Allele origin: germline.

Labcorp Genetics (formerly Invitae), Labcorp
Classification: Likely benign. Last evaluated: 2024-02-17. Review status: criteria provided, single submitter. Criteria: Invitae Variant Classification Sherloc (09022015). Collection method: clinical testing. Allele origin: germline.

Laboratory for Molecular Medicine, Mass General Brigham Personalized Medicine
Classification: Likely benign. Last evaluated: 2013-02-21. Review status: criteria provided, single submitter. Criteria: LMM Criteria. Collection method: clinical testing. Allele origin: germline. Observed: 1 variant allele.
Comment: Asp1539Asp in exon 30 of ABCA3: This variant is not expected to have clinical si gnificance because it does not alter an amino acid residue and is not located wi thin the splice consensus sequence. It has been identified in 1/4396 African Ame rican chromosomes from a broad population by the NHLBI Exome Sequencing Project.

NM_001089.3(ABCA3):c.4617C>T (p.Asp1539=)

Gene: ABCA3 (ATP binding cassette subfamily A member 3; minus strand). Cytogenetic location: 16p13.3.
Variant type: single nucleotide variant.
Coding change: c.4617C>T on transcript NM_001089.3 (MANE Select); coding-DNA position 4617, C replaced by T.
Protein change: p.Asp1539=; no amino-acid change (aspartic acid 1539 retained).
Molecular consequence: synonymous variant.
Genome position (GRCh38, 1-based): chr16:2,278,389, G>A on the plus strand (C>T on the coding strand, the complement: ABCA3 is on the minus strand). VCF-style: chr16-2278389-G-A. GRCh37 (hg19) VCF-style: chr16-2328390-G-A.
Identifiers: ClinVar variation 162671 (VCV000162671.8), dbSNP rs369494610, ClinGen allele CA175140.
Genomic context (GRCh38, chr16:2,278,389, plus strand): 5'-TCGTGCCACGGTGTCCCAAAGCAGGCGCCGGGCCACGGGGTCCATGCCAGTGGACGGCTC[G>A]TCCAGGAAGATGACAGCAGGCTCTCCGATCAGGGCGATGCCGGTGCTCAGCTTCCGCTTG-3'
Protein context (NP_001080.2, residues 1529-1549): LIGEPAVIFL[Asp1539=]EPSTGMDPVA